The following is an entry in ClinVar:

ClinVar aggregate classification (germline): Likely pathogenic (1 of 4 stars; one submission).

gnomAD v4.1: 40 of 1,613,212 alleles (0.0025%); highest among the groups gnomAD compares: African/African-American, 0.004%; no homozygotes.

Submission:

Mayo Clinic Laboratories, Mayo Clinic
Classification: Likely pathogenic. Last evaluated: 2025-10-29. Review status: criteria provided, single submitter. Criteria: ACMG Guidelines, 2015. Collection method: clinical testing. Allele origin: germline. Observed: 1 variant allele.
Comment: PM2_supporting, PVS1

Literature cited by the submitters: PubMed 37600812.

NM_002801.4(PSMB10):c.145-1G>A

Genes: PSMB10 (proteasome 20S subunit beta 10; minus strand), LOC130059252 (ATAC-STARR-seq lymphoblastoid active region 10995; plus strand). Cytogenetic location: 16q22.1.
Variant type: single nucleotide variant.
Coding change: c.145-1G>A on transcript NM_002801.4 (MANE Select); the canonical splice acceptor site of the intron before coding-DNA position 145, G replaced by A.
Molecular consequence: splice acceptor variant.
Genome position (GRCh38, 1-based): chr16:67,936,313, C>T on the plus strand (G>A on the coding strand, the complement: PSMB10 is on the minus strand). VCF-style: chr16-67936313-C-T. GRCh37 (hg19) VCF-style: chr16-67970216-C-T.
Identifiers: ClinVar variation 4542038 (VCV004542038.1).
Genomic context (GRCh38, chr16:67,936,313, plus strand): 5'-CTTGTCCGCCACGACCGAATCGTTAGTGGCTCGCGTATCGGCGCCCAGAATGACCCCGTC[C>T]TGAGGAGAGGGAGGGACCGCAGCTTCAGTGCCTGCTCGATACTCTCGGCTCCCCTCCAGC-3'